The following is an entry in ClinVar:

NM_033380.3(COL4A5):c.1516+6T>C

Gene: COL4A5 (collagen type IV alpha 5 chain; plus strand). Cytogenetic location: Xq22.3.
Variant type: single nucleotide variant.
Coding change: c.1516+6T>C on transcript NM_033380.3 (MANE Select); 6 bases into the intron after coding-DNA position 1516, T replaced by C.
Molecular consequence: intron variant.
Genome position (GRCh38, 1-based): chrX:108,595,607, T>C. VCF-style: chrX-108595607-T-C. GRCh37 (hg19) VCF-style: chrX-107838837-T-C.
Other names: c.1516+6T>C (NM_000495.5).
Identifiers: ClinVar variation 3690072 (VCV003690072.2).
Genomic context (GRCh38, chrX:108,595,607, plus strand): 5'-GGTATTTCAGGGCCTCCAGGTCAACCTGGTTTGCCAGGTCTCCCAGGTCCTCCAGGTAAA[T>C]TATGCCTCAGGGTAACCTTCTAAATATTTTTTGGCTAGATTTTGTTGAGCTTATACTTTT-3'

ClinVar aggregate classification (germline): Uncertain significance (1 of 4 stars; one submission).

Submission:

Labcorp Genetics (formerly Invitae), Labcorp
Classification: Uncertain significance. Last evaluated: 2024-11-07. Review status: criteria provided, single submitter. Criteria: Invitae Variant Classification Sherloc (09022015). Collection method: clinical testing. Allele origin: germline.
Comment: This sequence change falls in intron 22 of the COL4A5 gene. It does not directly change the encoded amino acid sequence of the COL4A5 protein. It affects a nucleotide within the consensus splice site. This variant is not present in population databases (gnomAD no frequency). This variant has not been reported in the literature in individuals affected with COL4A5-related conditions. Variants that disrupt the consensus splice site are a relatively common cause of aberrant splicing (PMID: 17576681, 9536098). Algorithms developed to predict the effect of sequence changes on RNA splicing suggest that this variant is not likely to affect RNA splicing. In summary, the available evidence is currently insufficient to determine the role of this variant in disease. Therefore, it has been classified as a Variant of Uncertain Significance.

Literature cited by the submitters: PubMed 17576681; PubMed 9536098.